The following is an entry in ClinVar:

NM_015450.3(POT1):c.1417G>C (p.Val473Leu)

Gene: POT1 (protection of telomeres 1; minus strand). Cytogenetic location: 7q31.33.
Variant type: single nucleotide variant.
Coding change: c.1417G>C on transcript NM_015450.3 (MANE Select); coding-DNA position 1417, G replaced by C.
Protein change: p.Val473Leu; replaces valine 473 with leucine.
Molecular consequence: missense variant. On other transcripts: non-coding transcript variant (3).
Genome position (GRCh38, 1-based): chr7:124,835,367, C>G on the plus strand (G>C on the coding strand, the complement: POT1 is on the minus strand). VCF-style: chr7-124835367-C-G. GRCh37 (hg19) VCF-style: chr7-124475421-C-G.
Other names: c.1024G>C, p.Val342Leu (NM_001042594.2); short protein forms V473L, V342L.
Identifiers: ClinVar variation 3692547 (VCV003692547.2).

ClinVar aggregate classification (germline): Uncertain significance (1 of 4 stars; one submission).

Conditions:
Tumor predisposition syndrome 3 (TPDS3). Also called: Glioma susceptibility 9; LONG TELOMERE SYNDROME, POT1-RELATED; POT1 Tumor Predisposition; Melanoma, cutaneous malignant, susceptibility to, 10. Identifiers: Orphanet 618, MedGen C4014476, MONDO:0014368, OMIM 615848.

Submission:

Labcorp Genetics (formerly Invitae), Labcorp
Classification: Uncertain significance for Tumor predisposition syndrome 3. Last evaluated: 2024-08-08. Review status: criteria provided, single submitter. Criteria: Invitae Variant Classification Sherloc (09022015). Collection method: clinical testing. Allele origin: germline.
Comment: This sequence change replaces valine, which is neutral and non-polar, with leucine, which is neutral and non-polar, at codon 473 of the POT1 protein (p.Val473Leu). This variant is not present in population databases (gnomAD no frequency). This variant has not been reported in the literature in individuals affected with POT1-related conditions. Advanced modeling of protein sequence and biophysical properties (such as structural, functional, and spatial information, amino acid conservation, physicochemical variation, residue mobility, and thermodynamic stability) performed at Invitae indicates that this missense variant is not expected to disrupt POT1 protein function with a negative predictive value of 80%. In summary, the available evidence is currently insufficient to determine the role of this variant in disease. Therefore, it has been classified as a Variant of Uncertain Significance.